The following is an entry in ClinVar:

ClinVar aggregate classification (germline): Uncertain significance. Review status: criteria provided, multiple submitters, no conflicts (2 of 4 stars). 2 submissions from 2 submitters: Uncertain significance (2). Last evaluated 2024-04-22.

Conditions:
Hereditary cancer-predisposing syndrome. Also called: Neoplastic Syndromes, Hereditary; Tumor predisposition; Hereditary Cancer Syndrome; Hereditary neoplastic syndrome. Identifiers: Orphanet 140162, MedGen C0027672, MeSH D009386, MONDO:0015356.
BAP1-related tumor predisposition syndrome (TPDS1). Also called: COMMON Syndrome; TUMOR PREDISPOSITION SYNDROME 1; BAP1 tumor predisposition syndrome; Tumor susceptibility linked to germline BAP1 mutations. Identifiers: Orphanet 289539, MedGen C3280492, MONDO:0013692, OMIM 614327.

Submissions (2):

Ambry Genetics
Classification: Uncertain significance for Hereditary cancer-predisposing syndrome. Last evaluated: 2024-04-22. Review status: criteria provided, single submitter. Criteria: Ambry Variant Classification Scheme 2023. Collection method: clinical testing. Allele origin: germline.
Comment: The p.T495M variant (also known as c.1484C>T), located in coding exon 13 of the BAP1 gene, results from a C to T substitution at nucleotide position 1484. The threonine at codon 495 is replaced by methionine, an amino acid with similar properties. This amino acid position is highly conserved in available vertebrate species. In addition, this alteration is predicted to be deleterious by in silico analysis. Based on the available evidence, the clinical significance of this variant remains unclear.

Labcorp Genetics (formerly Invitae), Labcorp
Classification: Uncertain significance for BAP1-related tumor predisposition syndrome. Last evaluated: 2022-12-15. Review status: criteria provided, single submitter. Criteria: Invitae Variant Classification Sherloc (09022015). Collection method: clinical testing. Allele origin: germline.
Comment: This sequence change replaces threonine, which is neutral and polar, with methionine, which is neutral and non-polar, at codon 495 of the BAP1 protein (p.Thr495Met). This variant is not present in population databases (gnomAD no frequency). This variant has not been reported in the literature in individuals affected with BAP1-related conditions. ClinVar contains an entry for this variant (Variation ID: 999480). Advanced modeling of protein sequence and biophysical properties (such as structural, functional, and spatial information, amino acid conservation, physicochemical variation, residue mobility, and thermodynamic stability) has been performed at Invitae for this missense variant, however the output from this modeling did not meet the statistical confidence thresholds required to predict the impact of this variant on BAP1 protein function. In summary, the available evidence is currently insufficient to determine the role of this variant in disease. Therefore, it has been classified as a Variant of Uncertain Significance.

NM_004656.4(BAP1):c.1484C>T (p.Thr495Met)

Gene: BAP1 (BRCA1 associated deubiquitinase 1; minus strand). Cytogenetic location: 3p21.1.
Variant type: single nucleotide variant.
Coding change: c.1484C>T on transcript NM_004656.4 (MANE Select); coding-DNA position 1484, C replaced by T.
Protein change: p.Thr495Met; replaces threonine 495 with methionine.
Molecular consequence: missense variant.
Genome position (GRCh38, 1-based): chr3:52,403,661, G>A on the plus strand (C>T on the coding strand, the complement: BAP1 is on the minus strand). VCF-style: chr3-52403661-G-A. GRCh37 (hg19) VCF-style: chr3-52437677-G-A.
Other names: c.1484C>T (NM_004656.2); short protein forms T495M.
Identifiers: ClinVar variation 999480 (VCV000999480.6), dbSNP rs1705048876, ClinGen allele CA353101045.